The following is an entry in ClinVar:

ClinVar aggregate classification (germline): Conflicting classifications of pathogenicity. Review status: criteria provided, conflicting classifications (1 of 4 stars). 4 submissions from 4 submitters: Uncertain significance (3); Likely benign (1). Last evaluated 2025-10-14.

Conditions:
Hereditary cancer-predisposing syndrome. Also called: Neoplastic Syndromes, Hereditary; Tumor predisposition; Hereditary Cancer Syndrome; Hereditary neoplastic syndrome. Identifiers: Orphanet 140162, MedGen C0027672, MeSH D009386, MONDO:0015356.
Hereditary breast ovarian cancer syndrome. Also called: Hereditary breast and ovarian cancer syndrome; BRCA1- and BRCA2-Associated Hereditary Breast and Ovarian Cancer; Hereditary breast and ovarian cancer; Hereditary breast and ovarian cancer syndrome (HBOC); Breast and ovarian cancer; Hereditary breast and/or ovarian cancer syndrome. Identifiers: Orphanet 145, MedGen C0677776, MeSH D061325, MONDO:0003582. Disease mechanism: loss of function.

Allele frequency attached by ClinVar (database versions not stated): gnomAD exomes below 0.00001.

Submissions (4):

Color Diagnostics, LLC DBA Color Health
Classification: Uncertain significance for Hereditary cancer-predisposing syndrome. Last evaluated: 2025-10-14. Review status: criteria provided, single submitter. Criteria: ACMG Guidelines, 2015. Collection method: clinical testing. Allele origin: germline.
Comment: This missense variant replaces glutamic acid with lysine at codon 357 of the BRCA2 protein. Computational prediction suggests that this variant may not impact protein structure and function. To our knowledge, functional studies have not been reported for this variant. This variant has not been reported in individuals affected with BRCA2-related disorders in the literature. This variant has been identified in 1/1460736 chromosomes in the general population by the Genome Aggregation Database (gnomAD). The available evidence is insufficient to determine the role of this variant in disease conclusively. Therefore, this variant is classified as a Variant of Uncertain Significance.

Labcorp Genetics (formerly Invitae), Labcorp
Classification: Uncertain significance for Hereditary breast ovarian cancer syndrome. Last evaluated: 2024-08-04. Review status: criteria provided, single submitter. Criteria: Invitae Variant Classification Sherloc (09022015). Collection method: clinical testing. Allele origin: germline.
Comment: This sequence change replaces glutamic acid, which is acidic and polar, with lysine, which is basic and polar, at codon 357 of the BRCA2 protein (p.Glu357Lys). This variant is not present in population databases (gnomAD no frequency). This variant has not been reported in the literature in individuals affected with BRCA2-related conditions. ClinVar contains an entry for this variant (Variation ID: 925383). Advanced modeling of protein sequence and biophysical properties (such as structural, functional, and spatial information, amino acid conservation, physicochemical variation, residue mobility, and thermodynamic stability) performed at Invitae indicates that this missense variant is not expected to disrupt BRCA2 protein function with a negative predictive value of 95%. In summary, the available evidence is currently insufficient to determine the role of this variant in disease. Therefore, it has been classified as a Variant of Uncertain Significance.

University of Washington Department of Laboratory Medicine, University of Washington
Classification: Likely benign for Hereditary cancer-predisposing syndrome. Last evaluated: 2023-03-23. Review status: criteria provided, single submitter. Criteria: Dines et al. (Genet Med. 2020). Collection method: curation. Allele origin: germline.
Comment: Missense variant in a coldspot region where missense variants are very unlikely to be pathogenic (PMID:31911673).

BRCA2 exon 10 coldspot. Reclassification based on statistical prior probability.

Ambry Genetics
Classification: Uncertain significance for Hereditary cancer-predisposing syndrome. Last evaluated: 2020-11-03. Review status: criteria provided, single submitter. Criteria: Ambry Variant Classification Scheme 2023. Collection method: clinical testing. Allele origin: germline.
Comment: The p.E357K variant (also known as c.1069G>A), located in coding exon 9 of the BRCA2 gene, results from a G to A substitution at nucleotide position 1069. The glutamic acid at codon 357 is replaced by lysine, an amino acid with similar properties. This amino acid position is not well conserved in available vertebrate species. In addition, this alteration is predicted to be tolerated by in silico analysis. Since supporting evidence is limited at this time, the clinical significance of this alteration remains unclear.

NM_000059.4(BRCA2):c.1069G>A (p.Glu357Lys)

Gene: BRCA2 (BRCA2 DNA repair associated; plus strand). Cytogenetic location: 13q13.1.
Variant type: single nucleotide variant.
Coding change: c.1069G>A on transcript NM_000059.4 (MANE Select); coding-DNA position 1069, G replaced by A.
Protein change: p.Glu357Lys; replaces glutamic acid 357 with lysine.
Molecular consequence: missense variant.
Genome position (GRCh38, 1-based): chr13:32,332,547, G>A. VCF-style: chr13-32332547-G-A. GRCh37 (hg19) VCF-style: chr13-32906684-G-A.
Other names: short protein forms E357K.
Identifiers: ClinVar variation 925383 (VCV000925383.10), dbSNP rs2072403764, ClinGen allele CA387761381.
Genomic context (GRCh38, chr13:32,332,547, plus strand): 5'-AACGCTGATGAATGTGAAAAATCTAAAAACCAAGTGAAAGAAAAATACTCATTTGTATCT[G>A]AAGTGGAACCAAATGATACTGATCCATTAGATTCAAATGTAGCAAATCAGAAGCCCTTTG-3'
Protein context (NP_000050.3, residues 347-367): QVKEKYSFVS[Glu357Lys]VEPNDTDPLD